The following is an entry in ClinVar:

ClinVar aggregate classification (germline): Likely benign. Review status: criteria provided, multiple submitters, no conflicts (2 of 4 stars). 2 submissions from 2 submitters: Likely benign (2). Last evaluated 2025-11-01.

gnomAD v4.1: 6 of 1,565,804 alleles (0.00038%); highest among the groups gnomAD compares: Admixed American, 0.0037%; no homozygotes.

Submissions (2):

CeGaT Center for Human Genetics Tuebingen
Classification: Likely benign. Last evaluated: 2025-11-01. Review status: criteria provided, single submitter. Criteria: CeGaT Center For Human Genetics Tuebingen Variant Classification Criteria Version 2. Collection method: clinical testing. Allele origin: germline. Affected: yes. Observed: 1 variant allele.
Comment: AHDC1: BP4, BP7

Labcorp Genetics (formerly Invitae), Labcorp
Classification: Likely benign. Last evaluated: 2025-07-27. Review status: criteria provided, single submitter. Criteria: Invitae Variant Classification Sherloc (09022015). Collection method: clinical testing. Allele origin: germline.

NM_001371928.1(AHDC1):c.1281C>G (p.Ala427=)

Gene: AHDC1 (AT-hook DNA binding motif containing 1; minus strand). Cytogenetic location: 1p36.11.
Variant type: single nucleotide variant.
Coding change: c.1281C>G on transcript NM_001371928.1 (MANE Select); coding-DNA position 1281, C replaced by G.
Protein change: p.Ala427=; no amino-acid change (alanine 427 retained).
Molecular consequence: synonymous variant.
Genome position (GRCh38, 1-based): chr1:27,550,835, G>C on the plus strand (C>G on the coding strand, the complement: AHDC1 is on the minus strand). VCF-style: chr1-27550835-G-C. GRCh37 (hg19) VCF-style: chr1-27877346-G-C.
Other names: c.1281C>G, p.Ala427= (NM_001029882.3).
Identifiers: ClinVar variation 1155135 (VCV001155135.13), dbSNP rs753828677, ClinGen allele CA715975.